The following is an entry in ClinVar:

NM_052947.4(ALPK2):c.5380G>C (p.Ala1794Pro)

Gene: ALPK2 (alpha kinase 2; minus strand). Cytogenetic location: 18q21.31.
Variant type: single nucleotide variant.
Coding change: c.5380G>C on transcript NM_052947.4 (MANE Select); coding-DNA position 5380, G replaced by C.
Protein change: p.Ala1794Pro; replaces alanine 1794 with proline.
Molecular consequence: missense variant.
Genome position (GRCh38, 1-based): chr18:58,529,212, C>G on the plus strand (G>C on the coding strand, the complement: ALPK2 is on the minus strand). VCF-style: chr18-58529212-C-G. GRCh37 (hg19) VCF-style: chr18-56196444-C-G.
Other names: short protein forms A1794P.
Identifiers: ClinVar variation 1747178 (VCV001747178.2), dbSNP rs2518869635, ClinGen allele CA402554282.

ClinVar aggregate classification (germline): Uncertain significance (1 of 4 stars; one submission).

Submission:

Ambry Genetics
Classification: Uncertain significance. Last evaluated: 2022-09-19. Review status: criteria provided, single submitter. Criteria: Ambry Variant Classification Scheme 2023. Collection method: clinical testing. Allele origin: germline.
Comment: The p.A1794P variant (also known as c.5380G>C), located in coding exon 5 of the ALPK2 gene, results from a G to C substitution at nucleotide position 5380. The alanine at codon 1794 is replaced by proline, an amino acid with highly similar properties. This amino acid position is conserved. In addition, this alteration is predicted to be tolerated by in silico analysis. Since supporting evidence is limited at this time, the clinical significance of this alteration remains unclear.